The following is an entry in ClinVar:

ClinVar aggregate classification (germline): Uncertain significance (1 of 4 stars; one submission).

Conditions:
Cardiovascular phenotype. Identifiers: MedGen CN230736.

Allele frequency attached by ClinVar (database versions not stated): TOPMed below 0.00001.

Submission:

Ambry Genetics
Classification: Uncertain significance for Cardiovascular phenotype. Last evaluated: 2019-10-18. Review status: criteria provided, single submitter. Criteria: Ambry Variant Classification Scheme 2023. Collection method: clinical testing. Allele origin: germline.
Comment: The p.N650K variant (also known as c.1950C>A), located in coding exon 18 of the ANK2 gene, results from a C to A substitution at nucleotide position 1950. The asparagine at codon 650 is replaced by lysine, an amino acid with similar properties. This amino acid position is poorly conserved in available vertebrate species. In addition, this alteration is predicted to be tolerated by in silico analysis. Since supporting evidence is limited at this time, the clinical significance of this alteration remains unclear.

NM_001148.6(ANK2):c.1950C>A (p.Asn650Lys)

Gene: ANK2 (ankyrin 2; plus strand). Cytogenetic location: 4q26.
Variant type: single nucleotide variant.
Coding change: c.1950C>A on transcript NM_001148.6 (MANE Select); coding-DNA position 1950, C replaced by A.
Protein change: p.Asn650Lys; replaces asparagine 650 with lysine.
Molecular consequence: missense variant.
Genome position (GRCh38, 1-based): chr4:113,282,743, C>A. VCF-style: chr4-113282743-C-A. GRCh37 (hg19) VCF-style: chr4-114203899-C-A.
Other names: c.1887C>A, p.Asn629Lys (NM_001127493.3, NM_001354239.2, NM_001354243.2 and 10 more transcripts); c.1950C>A, p.Asn650Lys (NM_001354225.2, NM_001354228.2, NM_001354232.2 and 6 more transcripts); c.1995C>A, p.Asn665Lys (NM_001354230.2, NM_001354231.2, NM_001354237.2 and 5 more transcripts); c.1851C>A, p.Asn617Lys (NM_001354245.2, NM_001354268.2); c.1863C>A, p.Asn621Lys (NM_001354249.2, NM_001354264.2, NM_001354266.2 and 10 more transcripts); c.1788C>A, p.Asn596Lys (NM_001354253.2, NM_001354257.2, NM_001354270.2 and 1 more transcripts); c.1764C>A, p.Asn588Lys (NM_001354260.2, NM_001354271.2, NM_001386151.1); c.1908C>A, p.Asn636Lys (NM_001354261.2, NM_001386147.1, NM_001386160.1); and 8 more; short protein forms N555K, N617K, N621K, N638K, N659K, N665K, N667K, N588K.
Identifiers: ClinVar variation 1783217 (VCV001783217.2), dbSNP rs769850500, ClinGen allele CA357913944.
Genomic context (GRCh38, chr4:113,282,743, plus strand): 5'-TACTCCGTTACATATTGCTGCCAAGAAGAATCAAATGCAGATAGCTTCCACACTCCTGAA[C>A]TATGGAGCAGAGACAAACATTGTGACAAAGCAAGGAGTAACTCCACTCCATCTGGCCTCG-3'
Protein context (NP_001139.3, residues 640-660): NQMQIASTLL[Asn650Lys]YGAETNIVTK